The following is an entry in ClinVar:

NM_002890.3(RASA1):c.3058C>A (p.Gln1020Lys)

Genes: CCNH (cyclin H; minus strand), RASA1 (RAS p21 protein activator 1; plus strand). Cytogenetic location: 5q14.3.
Variant type: single nucleotide variant.
Coding change: c.3058C>A on transcript NM_002890.3 (MANE Select); coding-DNA position 3058, C replaced by A.
Protein change: p.Gln1020Lys; replaces glutamine 1020 with lysine.
Molecular consequence: missense variant. On other transcripts: intron variant (1).
Genome position (GRCh38, 1-based): chr5:87,389,525, C>A. VCF-style: chr5-87389525-C-A. GRCh37 (hg19) VCF-style: chr5-86685342-C-A.
Other names: c.2527C>A, p.Gln843Lys (NM_022650.3); c.933+5519G>T (NM_001364075.2); short protein forms Q1020K, Q843K.
Identifiers: ClinVar variation 4735076 (VCV004735076.1).

ClinVar aggregate classification (germline): Uncertain significance (1 of 4 stars; one submission).

Conditions:
Capillary malformation-arteriovenous malformation syndrome. Also called: Capillary malformation-arteriovenous malformation. Identifiers: Orphanet 137667, MedGen C1842180, MONDO:0012016.

Submission:

Labcorp Genetics (formerly Invitae), Labcorp
Classification: Uncertain significance for Capillary malformation-arteriovenous malformation syndrome. Last evaluated: 2026-01-11. Review status: criteria provided, single submitter. Criteria: Invitae Variant Classification Sherloc (09022015). Collection method: clinical testing. Allele origin: germline.
Comment: This sequence change replaces glutamine, which is neutral and polar, with lysine, which is basic and polar, at codon 1020 of the RASA1 protein (p.Gln1020Lys). This variant is not present in population databases (gnomAD no frequency). This variant has not been reported in the literature in individuals affected with RASA1-related conditions. An algorithm developed to predict the effect of missense changes on protein structure and function (PolyPhen-2) suggests that this variant is likely to be disruptive. In summary, the available evidence is currently insufficient to determine the role of this variant in disease. Therefore, it has been classified as a Variant of Uncertain Significance.